The following is an entry in ClinVar:

NM_001367561.1(DOCK7):c.5668G>T (p.Val1890Phe)

Gene: DOCK7 (dedicator of cytokinesis 7; minus strand). Cytogenetic location: 1p31.3.
Variant type: single nucleotide variant.
Coding change: c.5668G>T on transcript NM_001367561.1 (MANE Select); coding-DNA position 5668, G replaced by T.
Protein change: p.Val1890Phe; replaces valine 1890 with phenylalanine.
Molecular consequence: missense variant.
Genome position (GRCh38, 1-based): chr1:62,476,123, C>A on the plus strand (G>T on the coding strand, the complement: DOCK7 is on the minus strand). VCF-style: chr1-62476123-C-A. GRCh37 (hg19) VCF-style: chr1-62941794-C-A.
Other names: c.5635G>T, p.Val1879Phe (NM_001271999.2); c.5548G>T, p.Val1850Phe (NM_001272000.2); c.5542G>T, p.Val1848Phe (NM_001272001.2); c.5641G>T, p.Val1881Phe (NM_001330614.2); c.5575G>T, p.Val1859Phe (NM_033407.4); short protein forms V1859F, V1848F, V1879F, V1850F, V1881F, V1890F.
Identifiers: ClinVar variation 1350912 (VCV001350912.8), dbSNP rs2149260194, ClinGen allele CA340604625.

ClinVar aggregate classification (germline): Uncertain significance (1 of 4 stars; one submission).

Conditions:
Developmental and epileptic encephalopathy, 23 (DEE23). Also called: Epileptic encephalopathy, early infantile, 23. Identifiers: Orphanet 411986, MedGen C4014492, MONDO:0014371, OMIM 615859.

Submission:

Labcorp Genetics (formerly Invitae), Labcorp
Classification: Uncertain significance for Developmental and epileptic encephalopathy, 23. Last evaluated: 2020-11-24. Review status: criteria provided, single submitter. Criteria: Invitae Variant Classification Sherloc (09022015). Collection method: clinical testing. Allele origin: germline.
Comment: This sequence change replaces valine with phenylalanine at codon 1879 of the DOCK7 protein (p.Val1879Phe). The valine residue is moderately conserved and there is a small physicochemical difference between valine and phenylalanine. This variant is not present in population databases (ExAC no frequency). This variant has not been reported in the literature in individuals with DOCK7-related conditions. Algorithms developed to predict the effect of missense changes on protein structure and function are either unavailable or do not agree on the potential impact of this missense change (SIFT: "Deleterious"; PolyPhen-2: "Possibly Damaging"; Align-GVGD: "Class C0"). In summary, the available evidence is currently insufficient to determine the role of this variant in disease. Therefore, it has been classified as a Variant of Uncertain Significance.